The following is an entry in ClinVar:

ClinVar aggregate classification (germline): Conflicting classifications of pathogenicity. Review status: criteria provided, conflicting classifications (1 of 4 stars). 3 submissions from 3 submitters: Uncertain significance (2); Likely benign (1). Last evaluated 2026-08-05.

Conditions:
MYH6-related disorder. Also called: MYH6-Related Disorders; MYH6-related condition.
Cardiovascular phenotype. Identifiers: MedGen CN230736.
Hypertrophic cardiomyopathy 14. Identifiers: MedGen C2750467, MONDO:0013197, OMIM 613251.

Allele frequency attached by ClinVar (database versions not stated): ExAC 0.00003; gnomAD 0.00004.

Submissions (3):

PreventionGenetics, part of Exact Sciences
Classification: Likely benign for MYH6-related condition. Last evaluated: 2026-08-05. Review status: criteria provided, single submitter. Criteria: ACMG Guidelines, 2015. Collection method: clinical testing. Allele origin: germline.
Comment: This variant is classified as likely benign based on ACMG/AMP sequence variant interpretation guidelines (Richards et al. 2015 PMID: 25741868, with internal and published modifications).

Labcorp Genetics (formerly Invitae), Labcorp
Classification: Uncertain significance for Hypertrophic cardiomyopathy 14. Last evaluated: 2025-12-29. Review status: criteria provided, single submitter. Criteria: Invitae Variant Classification Sherloc (09022015). Collection method: clinical testing. Allele origin: germline.
Comment: This sequence change falls in intron 30 of the MYH6 gene. It does not directly change the encoded amino acid sequence of the MYH6 protein. It affects a nucleotide within the consensus splice site. This variant is present in population databases (rs772339963, gnomAD 0.01%). This variant has not been reported in the literature in individuals affected with MYH6-related conditions. ClinVar contains an entry for this variant (Variation ID: 2072514). Variants that disrupt the consensus splice site are a relatively common cause of aberrant splicing (PMID: 17576681, 9536098). Algorithms developed to predict the effect of sequence changes on RNA splicing suggest that this variant is not likely to affect RNA splicing. In summary, the available evidence is currently insufficient to determine the role of this variant in disease. Therefore, it has been classified as a Variant of Uncertain Significance.

Ambry Genetics
Classification: Uncertain significance for Cardiovascular phenotype. Last evaluated: 2023-05-24. Review status: criteria provided, single submitter. Criteria: Ambry Variant Classification Scheme 2023. Collection method: clinical testing. Allele origin: germline.
Comment: The c.4360-3C>T intronic variant results from a C to T substitution 3 nucleotides upstream from coding exon 29 in the MYH6 gene. This nucleotide position is not well conserved in available vertebrate species. In silico splice site analysis predicts that this alteration will not have any significant effect on splicing. Since supporting evidence is limited at this time, the clinical significance of this alteration remains unclear.

Literature cited by the submitters: PubMed 17576681 (cited by Labcorp Genetics (formerly Invitae), Labcorp); PubMed 9536098 (cited by Labcorp Genetics (formerly Invitae), Labcorp).

NM_002471.4(MYH6):c.4360-3C>T

Gene: MYH6 (myosin heavy chain 6; minus strand). Cytogenetic location: 14q11.2.
Variant type: single nucleotide variant.
Coding change: c.4360-3C>T on transcript NM_002471.4 (MANE Select); 3 bases into the intron before coding-DNA position 4360, C replaced by T.
Molecular consequence: intron variant.
Genome position (GRCh38, 1-based): chr14:23,387,926, G>A on the plus strand (C>T on the coding strand, the complement: MYH6 is on the minus strand). VCF-style: chr14-23387926-G-A. GRCh37 (hg19) VCF-style: chr14-23857135-G-A.
Other names: c.4360-3C>T (NM_002471.3).
Identifiers: ClinVar variation 2072514 (VCV002072514.7), dbSNP rs772339963, ClinGen allele CA7114784.